The following is an entry in ClinVar:

ClinVar aggregate classification (germline): Uncertain significance (1 of 4 stars; one submission).

Conditions:
Holoprosencephaly 9 (HPE9). Also called: HOLOPROSENCEPHALY WITH MICROPHTHALMIA AND FIRST BRANCHIAL ARCH ANOMALIES; PITUITARY ANOMALIES WITH HOLOPROSENCEPHALY-LIKE FEATURES. Identifiers: Orphanet 2162, MedGen C1835819, MONDO:0012563, OMIM 610829.
Postaxial polydactyly-anterior pituitary anomalies-facial dysmorphism syndrome. Also called: Culler-Jones syndrome. Identifiers: Orphanet 420584, MedGen C4014479, MONDO:0014369, OMIM 615849.

Allele frequency attached by ClinVar (database versions not stated): gnomAD exomes below 0.00001.
gnomAD v4.1: 1 of 1,613,994 alleles (0.000062%); highest among the groups gnomAD compares: Non-Finnish European, 0.000085%; no homozygotes.

Submission:

Labcorp Genetics (formerly Invitae), Labcorp
Classification: Uncertain significance for Postaxial polydactyly-anterior pituitary anomalies-facial dysmorphism syndrome; Holoprosencephaly 9. Last evaluated: 2022-11-08. Review status: criteria provided, single submitter. Criteria: Invitae Variant Classification Sherloc (09022015). Collection method: clinical testing. Allele origin: germline.
Comment: In summary, the available evidence is currently insufficient to determine the role of this variant in disease. Therefore, it has been classified as a Variant of Uncertain Significance. Advanced modeling of protein sequence and biophysical properties (such as structural, functional, and spatial information, amino acid conservation, physicochemical variation, residue mobility, and thermodynamic stability) performed at Invitae indicates that this missense variant is expected to disrupt GLI2 protein function. ClinVar contains an entry for this variant (Variation ID: 1480957). This variant has not been reported in the literature in individuals affected with GLI2-related conditions. This variant is not present in population databases (gnomAD no frequency). This sequence change replaces arginine, which is basic and polar, with glutamine, which is neutral and polar, at codon 495 of the GLI2 protein (p.Arg495Gln).

NM_001374353.1(GLI2):c.1433G>A (p.Arg478Gln)

Gene: GLI2 (GLI family zinc finger 2; plus strand). Cytogenetic location: 2q14.2.
Variant type: single nucleotide variant.
Coding change: c.1433G>A on transcript NM_001374353.1 (MANE Select); coding-DNA position 1433, G replaced by A.
Protein change: p.Arg478Gln; replaces arginine 478 with glutamine.
Molecular consequence: missense variant.
Genome position (GRCh38, 1-based): chr2:120,978,549, G>A. VCF-style: chr2-120978549-G-A. GRCh37 (hg19) VCF-style: chr2-121736125-G-A.
Other names: c.1484G>A, p.Arg495Gln (NM_001371271.1, NM_005270.5); c.1058G>A, p.Arg353Gln (NM_001374354.1); short protein forms R478Q, R495Q, R353Q.
Identifiers: ClinVar variation 1480957 (VCV001480957.8), dbSNP rs2105051121, ClinGen allele CA348161626.
Genomic context (GRCh38, chr2:120,978,549, plus strand): 5'-AGGCCTGCACGCGGGAGCAGAAGCCCTTCAAGGCGCAGTACATGCTGGTGGTGCACATGC[G>A]GCGACACACGGGCGAGAAGCCCCACAAGTGCACGGTGAGTGGCCTTCTCCCCACCCCCGC-3'
Protein context (NP_001361282.1, residues 468-488): KAQYMLVVHM[Arg478Gln]RHTGEKPHKC